The following is an entry in ClinVar:

ClinVar aggregate classification (germline): Uncertain significance (1 of 4 stars; one submission).

Submission:

Labcorp Genetics (formerly Invitae), Labcorp
Classification: Uncertain significance. Last evaluated: 2024-11-27. Review status: criteria provided, single submitter. Criteria: Invitae Variant Classification Sherloc (09022015). Collection method: clinical testing. Allele origin: germline.
Comment: This sequence change replaces valine, which is neutral and non-polar, with alanine, which is neutral and non-polar, at codon 1835 of the FLNB protein (p.Val1835Ala). This variant is not present in population databases (gnomAD no frequency). This variant has not been reported in the literature in individuals affected with FLNB-related conditions. Invitae Evidence Modeling of protein sequence and biophysical properties (such as structural, functional, and spatial information, amino acid conservation, physicochemical variation, residue mobility, and thermodynamic stability) indicates that this missense variant is not expected to disrupt FLNB protein function with a negative predictive value of 95%. In summary, the available evidence is currently insufficient to determine the role of this variant in disease. Therefore, it has been classified as a Variant of Uncertain Significance.

NM_001457.4(FLNB):c.5504T>C (p.Val1835Ala)

Gene: FLNB (filamin B; plus strand). Cytogenetic location: 3p14.3.
Variant type: single nucleotide variant.
Coding change: c.5504T>C on transcript NM_001457.4 (MANE Select); coding-DNA position 5504, T replaced by C.
Protein change: p.Val1835Ala; replaces valine 1835 with alanine.
Molecular consequence: missense variant.
Genome position (GRCh38, 1-based): chr3:58,145,999, T>C. VCF-style: chr3-58145999-T-C. GRCh37 (hg19) VCF-style: chr3-58131726-T-C.
Other names: c.5597T>C, p.Val1866Ala (NM_001164317.2); c.5471T>C, p.Val1824Ala (NM_001164318.2); c.5432T>C, p.Val1811Ala (NM_001164319.2); short protein forms V1866A, V1811A, V1835A, V1824A.
Identifiers: ClinVar variation 3635743 (VCV003635743.2).